The following is an entry in ClinVar:

NM_198253.3(TERT):c.484G>A (p.Val162Met)

Gene: TERT (telomerase reverse transcriptase; minus strand). Cytogenetic location: 5p15.33.
Variant type: single nucleotide variant.
Coding change: c.484G>A on transcript NM_198253.3 (MANE Select); coding-DNA position 484, G replaced by A.
Protein change: p.Val162Met; replaces valine 162 with methionine.
Molecular consequence: missense variant. On other transcripts: non-coding transcript variant (2).
Genome position (GRCh38, 1-based): chr5:1,294,402, C>T on the plus strand (G>A on the coding strand, the complement: TERT is on the minus strand). VCF-style: chr5-1294402-C-T. GRCh37 (hg19) VCF-style: chr5-1294517-C-T.
Other names: c.484G>A, p.Val162Met (NM_001193376.3); short protein forms V162M.
Identifiers: ClinVar variation 971916 (VCV000971916.10), dbSNP rs1751241289, ClinGen allele CA359057937.
Genomic context (GRCh38, chr5:1,294,402, plus strand): 5'-TGGCAGCGCCGAGCTGGTACAGCGGCGGCCCGCACACCTGGTAGGCGCAGCTGGGAGCCA[C>T]CAGCACAAAGAGCGCGCAGCGTGCCAGCAGGTGAACCAGCACGTCGTCGCCCACGCGGCG-3'
Protein context (NP_937983.2, residues 152-172): LLARCALFVL[Val162Met]APSCAYQVCG

ClinVar aggregate classification (germline): Uncertain significance (1 of 4 stars; one submission).

Conditions:
Dyskeratosis congenita, autosomal dominant 2. Identifiers: MedGen C3151443, MONDO:0013521, OMIM 613989.
Idiopathic Pulmonary Fibrosis. Also called: Idiopathic fibrosing alveolitis, chronic form; idiopathic fibrosing alveolitis. Identifiers: Orphanet 2032, MedGen C1800706, MeSH D054990, MONDO:0800504.

Submission:

Labcorp Genetics (formerly Invitae), Labcorp
Classification: Uncertain significance for Dyskeratosis congenita, autosomal dominant 2; Idiopathic Pulmonary Fibrosis. Last evaluated: 2019-10-29. Review status: criteria provided, single submitter. Criteria: Invitae Variant Classification Sherloc (09022015). Collection method: clinical testing. Allele origin: germline.
Comment: This variant has not been reported in the literature in individuals with TERT-related conditions. In summary, the available evidence is currently insufficient to determine the role of this variant in disease. Therefore, it has been classified as a Variant of Uncertain Significance. Algorithms developed to predict the effect of missense changes on protein structure and function are either unavailable or do not agree on the potential impact of this missense change (SIFT: "Deleterious"; PolyPhen-2: "Probably Damaging"; Align-GVGD: "Class C0"). This variant is not present in population databases (ExAC no frequency). This sequence change replaces valine with methionine at codon 162 of the TERT protein (p.Val162Met). The valine residue is highly conserved and there is a small physicochemical difference between valine and methionine.